The following is an entry in ClinVar:

ClinVar aggregate classification (germline): Uncertain significance (1 of 4 stars; one submission).

Submission:

Labcorp Genetics (formerly Invitae), Labcorp
Classification: Uncertain significance. Last evaluated: 2023-04-24. Review status: criteria provided, single submitter. Criteria: Invitae Variant Classification Sherloc (09022015). Collection method: clinical testing. Allele origin: germline.
Comment: In summary, the available evidence is currently insufficient to determine the role of this variant in disease. Therefore, it has been classified as a Variant of Uncertain Significance. This variant disrupts a region of the CDH3 protein in which other variant(s) (p.His575Arg) have been observed in individuals with CDH3-related conditions (PMID: 17342797). This suggests that this is a clinically significant region of the protein, and that variants that disrupt it are likely to be disease-causing. This variant has not been reported in the literature in individuals affected with CDH3-related conditions. This variant is a gross deletion of the genomic region encompassing exon(s) 12 of the CDH3 gene. This variant would be expected to be in-frame, preserving the integrity of the reading frame.

Literature cited by the submitters: PubMed 17342797.

NC_000016.9:g.(?_68721395)_(68721659_?)del

Gene: CDH3 (cadherin 3; plus strand). Cytogenetic location: 16q22.1.
Variant type: Deletion.
Identifiers: ClinVar variation 2424242 (VCV002424242.4).